The following is an entry in ClinVar:

ClinVar aggregate classification (germline): Uncertain significance (1 of 4 stars; one submission).

Submission:

Labcorp Genetics (formerly Invitae), Labcorp
Classification: Uncertain significance. Last evaluated: 2022-10-03. Review status: criteria provided, single submitter. Criteria: Invitae Variant Classification Sherloc (09022015). Collection method: clinical testing. Allele origin: germline.
Comment: This variant is not present in population databases (gnomAD no frequency). This sequence change replaces lysine, which is basic and polar, with methionine, which is neutral and non-polar, at codon 1322 of the CACNA1F protein (p.Lys1322Met). This variant has not been reported in the literature in individuals affected with CACNA1F-related conditions. In summary, the available evidence is currently insufficient to determine the role of this variant in disease. Therefore, it has been classified as a Variant of Uncertain Significance. Advanced modeling of protein sequence and biophysical properties (such as structural, functional, and spatial information, amino acid conservation, physicochemical variation, residue mobility, and thermodynamic stability) performed at Invitae indicates that this missense variant is expected to disrupt CACNA1F protein function.

NM_001256789.3(CACNA1F):c.3932A>T (p.Lys1311Met)

Gene: CACNA1F (calcium voltage-gated channel subunit alpha1 F; minus strand). Cytogenetic location: Xp11.23.
Variant type: single nucleotide variant.
Coding change: c.3932A>T on transcript NM_001256789.3 (MANE Select); coding-DNA position 3932, A replaced by T.
Protein change: p.Lys1311Met; replaces lysine 1311 with methionine.
Molecular consequence: missense variant.
Genome position (GRCh38, 1-based): chrX:49,212,677, T>A on the plus strand (A>T on the coding strand, the complement: CACNA1F is on the minus strand). VCF-style: chrX-49212677-T-A. GRCh37 (hg19) VCF-style: chrX-49069137-T-A.
Other names: c.3770A>T, p.Lys1257Met (NM_001256790.3); c.3965A>T, p.Lys1322Met (NM_005183.4); short protein forms K1322M, K1311M, K1257M.
Identifiers: ClinVar variation 2080364 (VCV002080364.4), dbSNP rs782023569, ClinGen allele CA412962231.